The following is an entry in ClinVar:

NM_032043.3(BRIP1):c.2292A>T (p.Lys764Asn)

Gene: BRIP1 (BRCA1 interacting DNA helicase 1; minus strand). Cytogenetic location: 17q23.2.
Variant type: single nucleotide variant.
Coding change: c.2292A>T on transcript NM_032043.3 (MANE Select); coding-DNA position 2292, A replaced by T.
Protein change: p.Lys764Asn; replaces lysine 764 with asparagine.
Molecular consequence: missense variant.
Genome position (GRCh38, 1-based): chr17:61,743,100, T>A on the plus strand (A>T on the coding strand, the complement: BRIP1 is on the minus strand). VCF-style: chr17-61743100-T-A. GRCh37 (hg19) VCF-style: chr17-59820461-T-A.
Other names: short protein forms K764N.
Identifiers: ClinVar variation 1789121 (VCV001789121.2), dbSNP rs2144678763, ClinGen allele CA400482701.
Genomic context (GRCh38, chr17:61,743,100, plus strand): 5'-AATTCCTATTGTTATGACAGCACGGGCATTGTCATCTGAGAAATCCAGACCCTCACTCAC[T>A]TTACCACGACAAACTGCTACCAGGAGAGCTCCATCTTAAACAACAGAAAAAAGCATATCC-3'
Protein context (NP_114432.2, residues 754-774): GALLVAVCRG[Lys764Asn]VSEGLDFSDD

ClinVar aggregate classification (germline): Uncertain significance (1 of 4 stars; one submission).

Conditions:
Hereditary cancer-predisposing syndrome. Also called: Hereditary Cancer Syndrome; Hereditary neoplastic syndrome; Tumor predisposition; Neoplastic Syndromes, Hereditary. Identifiers: Orphanet 140162, MedGen C0027672, MeSH D009386, MONDO:0015356.

Submission:

Ambry Genetics
Classification: Uncertain significance for Hereditary cancer-predisposing syndrome. Last evaluated: 2020-11-25. Review status: criteria provided, single submitter. Criteria: Ambry Variant Classification Scheme 2023. Collection method: clinical testing. Allele origin: germline.
Comment: The p.K764N variant (also known as c.2292A>T), located in coding exon 15 of the BRIP1 gene, results from an A to T substitution at nucleotide position 2292. The lysine at codon 764 is replaced by asparagine, an amino acid with similar properties. This amino acid position is highly conserved in available vertebrate species. In addition, the in silico prediction for this alteration is inconclusive. Since supporting evidence is limited at this time, the clinical significance of this alteration remains unclear.